The following is an entry in ClinVar:

NM_001164508.2(NEB):c.10433dup (p.Asn3478fs)

Gene: NEB (nebulin; minus strand). Cytogenetic location: 2q23.3.
Variant type: Duplication.
Coding change: c.10433dup on transcript NM_001164508.2 (MANE Select); coding-DNA position 10433, one base duplicated (A; older notation c.10433dupA).
Protein change: p.Asn3478fs; shifts the reading frame from asparagine 3478.
Molecular consequence: frameshift variant.
Genome position (GRCh38, 1-based): chr2:151,625,553, T duplicated on the plus strand (A on the coding strand, the reverse complement: NEB is on the minus strand); the first of 4 consecutive T bases (chr2:151,625,553-151,625,556); duplicating any one gives the same sequence. VCF-style (leftmost placement, unchanged base first): chr2-151625552-A-AT. GRCh37 (hg19) VCF-style: chr2-152482066-A-AT.
Other names: c.10433dup, p.Asn3478fs (NM_001164507.2, NM_001271208.2); c.9704dup, p.Asn3235fs (NM_004543.5); short protein forms N3235fs, N3478fs.
Identifiers: ClinVar variation 2722052 (VCV002722052.3), dbSNP rs2552235371, ClinGen allele CA2697551092.

ClinVar aggregate classification (germline): Pathogenic (1 of 4 stars; one submission).

Conditions:
Nemaline myopathy 2 (NEM2). Also called: Nemaline myopathy 2, autosomal recessive. Identifiers: MedGen C1850569, MONDO:0009725, OMIM 256030.

Submission:

Labcorp Genetics (formerly Invitae), Labcorp
Classification: Pathogenic for Nemaline myopathy 2. Last evaluated: 2023-07-10. Review status: criteria provided, single submitter. Criteria: Invitae Variant Classification Sherloc (09022015). Collection method: clinical testing. Allele origin: germline.
Comment: This variant has not been reported in the literature in individuals affected with NEB-related conditions. This variant is not present in population databases (gnomAD no frequency). This sequence change creates a premature translational stop signal (p.Asn3478Lysfs*2) in the NEB gene. It is expected to result in an absent or disrupted protein product. Loss-of-function variants in NEB are known to be pathogenic (PMID: 25205138). For these reasons, this variant has been classified as Pathogenic.

Literature cited by the submitters: PubMed 25205138.